The following is an entry in ClinVar:

NM_006245.4(PPP2R5D):c.608T>G (p.Leu203Arg)

Gene: PPP2R5D (protein phosphatase 2 regulatory subunit B'delta; plus strand). Cytogenetic location: 6p21.1.
Variant type: single nucleotide variant.
Coding change: c.608T>G on transcript NM_006245.4 (MANE Select); coding-DNA position 608, T replaced by G.
Protein change: p.Leu203Arg; replaces leucine 203 with arginine.
Molecular consequence: missense variant.
Genome position (GRCh38, 1-based): chr6:43,007,281, T>G. VCF-style: chr6-43007281-T-G. GRCh37 (hg19) VCF-style: chr6-42975019-T-G.
Other names: c.155T>G, p.Leu52Arg (NM_001270476.2); c.512T>G, p.Leu171Arg (NM_180976.3); c.290T>G, p.Leu97Arg (NM_180977.3); short protein forms L171R, L203R, L52R, L97R.
Identifiers: ClinVar variation 4292297 (VCV004292297.1).
Genomic context (GRCh38, chr6:43,007,281, plus strand): 5'-TGCCACCTTCATCGAATCCCACAGGGGCTGAGTTTGACCCAGAGGAAGATGAGCCCACCC[T>G]GGAAGCTGCTTGGCCACATCTCCAGGTACCAGGGCAAGGGGGCAGATTGGCCGTGGCTGC-3'
Protein context (NP_006236.1, residues 193-213): EFDPEEDEPT[Leu203Arg]EAAWPHLQLV

ClinVar aggregate classification (germline): Likely pathogenic (1 of 4 stars; one submission).

Conditions:
Houge-Janssens syndrome 1. Also called: INTELLECTUAL DEVELOPMENTAL DISORDER, AUTOSOMAL DOMINANT 35; Hogue-Janssens syndrome 1; Intellectual disability-macrocephaly-hypotonia-behavioral abnormalities syndrome; PPP2R5D-Related Neurodevelopmental Disorder. Identifiers: Orphanet 457279, MedGen C5779996, MONDO:0014602, OMIM 616355.

gnomAD v4.1: 1 of 1,614,188 alleles (0.000062%); highest among the groups gnomAD compares: Non-Finnish European, 0.000085%; no homozygotes.

Submission:

3billion
Classification: Likely pathogenic for Houge-Janssens syndrome 1. Last evaluated: 2024-10-22. Review status: criteria provided, single submitter. Criteria: ACMG Guidelines, 2015. Collection method: clinical testing. Allele origin: germline. Affected: yes.
Comment: The variant is observed at an extremely low frequency in the gnomAD v4.1.0 dataset (total allele frequency: <0.001%). Predicted Consequence/Location: The variant is located in a mutational hot spot and/or well-established functional domain in which established pathogenic variants have been reported. Missense variant. Missense changes are a common disease-causing mechanism. In silico tool predictions suggest damaging effect of the variant on gene or gene product [REVEL: 0.75 (>=0.6, sensitivity 0.68 and specificity 0.92); 3Cnet: 0.99 (>=0.6, sensitivity 0.72 and precision 0.9)]. A different missense change at the same codon (p.Leu203Pro) have been reported to be associated with PPP2R5D-related disorder (ClinVar ID: VCV003237199). Therefore, this variant is classified as Likely pathogenic according to the recommendation of ACMG/AMP guideline.